The following is an entry in ClinVar:

ClinVar aggregate classification (germline): Uncertain significance. Review status: criteria provided, multiple submitters, no conflicts (2 of 4 stars). 2 submissions from 2 submitters: Uncertain significance (2). Last evaluated 2024-10-16.

Conditions:
Cardiovascular phenotype. Identifiers: MedGen CN230736.
Dilated cardiomyopathy 1J (CMD1J). Also called: CARDIOMYOPATHY, DILATED, WITH SENSORINEURAL HEARING LOSS, AUTOSOMAL DOMINANT. Identifiers: Orphanet 217622, MedGen C1854368, MONDO:0011541, OMIM 605362.

Allele frequency attached by ClinVar (database versions not stated): ExAC 0.00001; gnomAD exomes 0.00001.
gnomAD v4.1: 3 of 1,614,054 alleles (0.00019%); highest among the groups gnomAD compares: East Asian, 0.0067%; no homozygotes.

Submissions (2):

Labcorp Genetics (formerly Invitae), Labcorp
Classification: Uncertain significance for Dilated cardiomyopathy 1J. Last evaluated: 2024-10-16. Review status: criteria provided, single submitter. Criteria: Invitae Variant Classification Sherloc (09022015). Collection method: clinical testing. Allele origin: germline.
Comment: This sequence change replaces glutamic acid, which is acidic and polar, with valine, which is neutral and non-polar, at codon 54 of the EYA4 protein (p.Glu54Val). This variant is present in population databases (rs756773330, gnomAD 0.02%). This missense change has been observed in individual(s) with EYA4-related conditions (PMID: 30368385). ClinVar contains an entry for this variant (Variation ID: 1776566). An algorithm developed to predict the effect of missense changes on protein structure and function (PolyPhen-2) suggests that this variant is likely to be tolerated. In summary, the available evidence is currently insufficient to determine the role of this variant in disease. Therefore, it has been classified as a Variant of Uncertain Significance.

Ambry Genetics
Classification: Uncertain significance for Cardiovascular phenotype. Last evaluated: 2023-11-28. Review status: criteria provided, single submitter. Criteria: Ambry Variant Classification Scheme 2023. Collection method: clinical testing. Allele origin: germline.
Comment: The p.E54V variant (also known as c.161A>T), located in coding exon 3 of the EYA4 gene, results from an A to T substitution at nucleotide position 161. The glutamic acid at codon 54 is replaced by valine, an amino acid with dissimilar properties. This amino acid position is conserved. In addition, this alteration is predicted to be tolerated by in silico analysis. Since supporting evidence is limited at this time, the clinical significance of this alteration remains unclear.

Literature cited by the submitters: PubMed 30368385 (cited by Labcorp Genetics (formerly Invitae), Labcorp).

NM_004100.5(EYA4):c.161A>T (p.Glu54Val)

Gene: EYA4 (EYA transcriptional coactivator and phosphatase 4; plus strand). Cytogenetic location: 6q23.2.
Variant type: single nucleotide variant.
Coding change: c.161A>T on transcript NM_004100.5 (MANE Select); coding-DNA position 161, A replaced by T.
Protein change: p.Glu54Val; replaces glutamic acid 54 with valine.
Molecular consequence: missense variant.
Genome position (GRCh38, 1-based): chr6:133,446,707, A>T. VCF-style: chr6-133446707-A-T. GRCh37 (hg19) VCF-style: chr6-133767845-A-T.
Other names: c.161A>T, p.Glu54Val (NM_001301012.2, NM_001301013.2, NM_001370458.1 and 3 more transcripts); short protein forms E54V.
Identifiers: ClinVar variation 1776566 (VCV001776566.5), dbSNP rs756773330, ClinGen allele CA4007968.